The following is an entry in ClinVar:

NM_000059.4(BRCA2):c.2667T>C (p.Asn889=)

Gene: BRCA2 (BRCA2 DNA repair associated; plus strand). Cytogenetic location: 13q13.1.
Variant type: single nucleotide variant.
Coding change: c.2667T>C on transcript NM_000059.4 (MANE Select); coding-DNA position 2667, T replaced by C.
Protein change: p.Asn889=; no amino-acid change (asparagine 889 retained).
Molecular consequence: synonymous variant.
Genome position (GRCh38, 1-based): chr13:32,337,022, T>C. VCF-style: chr13-32337022-T-C. GRCh37 (hg19) VCF-style: chr13-32911159-T-C.
Identifiers: ClinVar variation 142444 (VCV000142444.12), dbSNP rs587782469, ClinGen allele CA015988.

ClinVar aggregate classification (germline): Likely benign. Review status: reviewed by expert panel (3 of 4 stars). 5 submissions from 5 submitters: Likely benign (1). 4 of the submissions do not count toward it. Last evaluated 2017-06-29.

Conditions:
BRCA2-related cancer predisposition. Identifiers: MedGen CN377758, MONDO:0700269.
Hereditary cancer-predisposing syndrome. Also called: Neoplastic Syndromes, Hereditary; Hereditary Cancer Syndrome; Hereditary neoplastic syndrome; Tumor predisposition. Identifiers: Orphanet 140162, MedGen C0027672, MeSH D009386, MONDO:0015356.
Hereditary breast ovarian cancer syndrome. Also called: Hereditary breast and ovarian cancer syndrome; Hereditary breast and/or ovarian cancer syndrome; BRCA1- and BRCA2-Associated Hereditary Breast and Ovarian Cancer; Hereditary breast and ovarian cancer; Breast and ovarian cancer; Hereditary breast and ovarian cancer syndrome (HBOC). Identifiers: Orphanet 145, MedGen C0677776, MeSH D061325, MONDO:0003582. Disease mechanism: loss of function.
Breast-ovarian cancer, familial, susceptibility to, 2 (BROVCA2). Also called: BRCA2 Hereditary Breast and Ovarian Cancer. Identifiers: Orphanet 145, MedGen C2675520, MONDO:0012933, OMIM 612555. Disease mechanism: loss of function.

Submissions (5):

Evidence-based Network for the Interpretation of Germline Mutant Alleles (ENIGMA)
Classification: Likely benign for Breast-ovarian cancer, familial, susceptibility to, 2. Last evaluated: 2017-06-29. Review status: reviewed by expert panel. Criteria: ENIGMA BRCA1/2 Classification Criteria (2017-06-29). Collection method: curation. Allele origin: germline.
Comment: Synonymous substitution variant, with low bioinformatic likelihood to result in a splicing aberration (Splicing prior probability 0.02).

Labcorp Genetics (formerly Invitae), Labcorp
Classification: Likely benign for Hereditary breast ovarian cancer syndrome. Last evaluated: 2025-01-21. Review status: criteria provided, single submitter. Criteria: Invitae Variant Classification Sherloc (09022015). Collection method: clinical testing. Allele origin: germline. Not counted in ClinVar's aggregate classification.

All of Us Research Program, National Institutes of Health
Classification: Likely benign for BRCA2-related cancer predisposition. Last evaluated: 2024-08-06. Review status: criteria provided, single submitter. Criteria: ACMG Guidelines, 2015. Collection method: clinical testing. Allele origin: germline. Inheritance: Autosomal dominant inheritance. Observed: 1 variant allele, 1 heterozygote. Not counted in ClinVar's aggregate classification.
Comment: This study involves interpretation of variants in research participants for the purpose of population health screening. Participant phenotype was not available at the time of variant classification. Additional details can be found in publication PMID: 35346344, PMCID: PMC8962531

Color Diagnostics, LLC DBA Color Health
Classification: Likely benign for Hereditary cancer-predisposing syndrome. Last evaluated: 2017-04-06. Review status: criteria provided, single submitter. Criteria: ACMG Guidelines, 2015. Collection method: clinical testing. Allele origin: germline. Not counted in ClinVar's aggregate classification.

Ambry Genetics
Classification: Benign for Hereditary cancer-predisposing syndrome. Last evaluated: 2014-11-19. Review status: criteria provided, single submitter. Criteria: Ambry Variant Classification Scheme 2023. Collection method: clinical testing. Allele origin: germline. Not counted in ClinVar's aggregate classification.